The following is an entry in ClinVar:

NM_000540.3(RYR1):c.9202C>G (p.Leu3068Val)

Gene: RYR1 (ryanodine receptor 1; plus strand). Cytogenetic location: 19q13.2.
Variant type: single nucleotide variant.
Coding change: c.9202C>G on transcript NM_000540.3 (MANE Select); coding-DNA position 9202, C replaced by G.
Protein change: p.Leu3068Val; replaces leucine 3068 with valine.
Molecular consequence: missense variant.
Genome position (GRCh38, 1-based): chr19:38,512,101, C>G. VCF-style: chr19-38512101-C-G. GRCh37 (hg19) VCF-style: chr19-39002741-C-G.
Other names: c.9202C>G, p.Leu3068Val (NM_001042723.2); short protein forms L3068V.
Identifiers: ClinVar variation 3071346 (VCV003071346.1), dbSNP rs1970753936, ClinGen allele CA405685539.

ClinVar aggregate classification (germline): Uncertain significance (1 of 4 stars; one submission).

Conditions:
Malignant hyperthermia, susceptibility to, 1 (MHS1). Also called: Anesthesia related hyperthermia; Malignant hyperpyrexia; Fulminating hyperpyrexia; Pharmacogenic myopathy; RYR1-Related Malignant Hyperthermia Susceptibility; Malignant hyperthermia suceptibility 1. Identifiers: Orphanet 423, MedGen C2930980, MONDO:0007783, OMIM 145600.

Allele frequency attached by ClinVar (database versions not stated): gnomAD exomes below 0.00001; TOPMed below 0.00001; gnomAD 0.00001.
gnomAD v4.1: 2 of 1,614,090 alleles (0.00012%); highest among the groups gnomAD compares: Non-Finnish European, 0.00017%; no homozygotes.

Submission:

All of Us Research Program, National Institutes of Health
Classification: Uncertain significance for Malignant hyperthermia, susceptibility to, 1. Last evaluated: 2023-06-08. Review status: criteria provided, single submitter. Criteria: ACMG Guidelines, 2015. Collection method: clinical testing. Allele origin: germline. Inheritance: Autosomal dominant inheritance. Observed: 2 variant alleles, 2 heterozygotes.
Comment: This missense variant replaces leucine with valine at codon 3068 of the RYR1 protein. Computational prediction is inconclusive regarding the impact of this variant on protein structure and function (internally defined REVEL score threshold 0.5 < inconclusive < 0.7, PMID: 27666373). To our knowledge, functional studies have not been reported for this variant. This variant has not been reported in individuals affected with RYR1-related disorders in the literature. This variant has not been identified in the general population by the Genome Aggregation Database (gnomAD). The available evidence is insufficient to determine the role of this variant in disease conclusively. Therefore, this variant is classified as a Variant of Uncertain Significance.

This study involves interpretation of variants in research participants for the purpose of population health screening. Participant phenotype was not available at the time of variant classification. Additional details can be found in publication PMID: 35346344, PMCID: PMC8962531